The following is an entry in ClinVar:

ClinVar aggregate classification (germline): Conflicting classifications of pathogenicity. Review status: criteria provided, conflicting classifications (1 of 4 stars). 4 submissions from 4 submitters: Uncertain significance (1); Likely benign (2). 1 of the submissions does not count toward it. Last evaluated 2025-11-27.

Conditions:
Cohen syndrome (COH1). Also called: PEPPER SYNDROME; Cutis verticis gyrata, retinitis pigmentosa, and sensorineural deafness. Identifiers: Orphanet 193, MedGen C0265223, MONDO:0008999, OMIM 216550.
VPS13B-related disorder. Also called: VPS13B-related condition.
Inborn genetic diseases. Identifiers: MedGen C0950123, MeSH D030342.

Allele frequency attached by ClinVar (database versions not stated): gnomAD 0.00001; gnomAD exomes 0.00001 and 0.00012; TOPMed 0.00007; ExAC 0.00010.

Submissions (4):

Labcorp Genetics (formerly Invitae), Labcorp
Classification: Likely benign for Cohen syndrome. Last evaluated: 2025-11-27. Review status: criteria provided, single submitter. Criteria: Invitae Variant Classification Sherloc (09022015). Collection method: clinical testing. Allele origin: germline.

Ambry Genetics
Classification: Likely benign for Inborn genetic diseases. Last evaluated: 2023-04-05. Review status: criteria provided, single submitter. Criteria: Ambry Variant Classification Scheme 2023. Collection method: clinical testing. Allele origin: germline.

Illumina Laboratory Services, Illumina
Classification: Uncertain significance for Cohen syndrome. Last evaluated: 2018-01-12. Review status: criteria provided, single submitter. Criteria: ICSL Variant Classification Criteria 13 December 2019. Collection method: clinical testing. Allele origin: germline.

PreventionGenetics, part of Exact Sciences
Classification: Uncertain significance for VPS13B-related condition. Last evaluated: 2024-03-29. Review status: no assertion criteria provided. Collection method: clinical testing. Allele origin: germline. Not counted in ClinVar's aggregate classification.
Comment: The VPS13B c.5472G>A variant is predicted to result in the amino acid substitution p.Met1824Ile. To our knowledge, this variant has not been reported in the literature. This variant is reported in 0.17% of alleles in individuals of East Asian descent in gnomAD. At this time, the clinical significance of this variant is uncertain due to the absence of conclusive functional and genetic evidence.

NM_152564.5(VPS13B):c.5472G>A (p.Met1824Ile)

Gene: VPS13B (vacuolar protein sorting 13 homolog B; plus strand). Cytogenetic location: 8q22.2.
Variant type: single nucleotide variant.
Coding change: c.5472G>A on transcript NM_152564.5 (MANE Select); coding-DNA position 5472, G replaced by A.
Protein change: p.Met1824Ile; replaces methionine 1824 with isoleucine.
Molecular consequence: missense variant.
Genome position (GRCh38, 1-based): chr8:99,642,062, G>A. VCF-style: chr8-99642062-G-A. GRCh37 (hg19) VCF-style: chr8-100654290-G-A.
Other names: c.5547G>A, p.Met1849Ile (NM_017890.5); c.5472G>A (NM_152564.4); c.5547G>A (NM_017890.3); short protein forms M1824I, M1849I.
Identifiers: ClinVar variation 910300 (VCV000910300.11), dbSNP rs771916272, ClinGen allele CA4823827.